The following is an entry in ClinVar:

NM_001999.4(FBN2):c.8084A>G (p.Asp2695Gly)

Gene: FBN2 (fibrillin 2; minus strand). Cytogenetic location: 5q23.3.
Variant type: single nucleotide variant.
Coding change: c.8084A>G on transcript NM_001999.4 (MANE Select); coding-DNA position 8084, A replaced by G.
Protein change: p.Asp2695Gly; replaces aspartic acid 2695 with glycine.
Molecular consequence: missense variant.
Genome position (GRCh38, 1-based): chr5:128,263,533, T>C on the plus strand (A>G on the coding strand, the complement: FBN2 is on the minus strand). VCF-style: chr5-128263533-T-C. GRCh37 (hg19) VCF-style: chr5-127599225-T-C.
Other names: short protein forms D2695G.
Identifiers: ClinVar variation 3767121 (VCV003767121.2).

ClinVar aggregate classification (germline): Likely pathogenic (1 of 4 stars; one submission).

Conditions:
Congenital contractural arachnodactyly (CCA). Also called: BEALS SYNDROME; Arthrogryposis, distal, type 9; Beals-Hecht syndrome. Identifiers: Orphanet 115, MedGen C0220668, MONDO:0007363, OMIM 121050.

Submission:

Juno Genomics, Hangzhou Juno Genomics, Inc
Classification: Likely pathogenic for Congenital contractural arachnodactyly. Review status: criteria provided, single submitter. Criteria: ACMG Guidelines, 2015. Collection method: clinical testing. Allele origin: germline. Affected: yes.
Comment: Absent from controls (or at extremely low frequency if recessive) in Genome Aggregation Database, Exome Sequencing Project, 1000 Genomes Project, or Exome Aggregation Consortium.;Multiple lines of computational evidence support a deleterious effect on the gene or gene product (conservation, evolutionary, splicing impact, etc).;Missense variant in a gene that has a low rate of benign missense variation and where missense variants are a common mechanism of disease.